The following is an entry in ClinVar:

NM_020442.6(VARS2):c.1456G>T (p.Glu486Ter)

Gene: VARS2 (valyl-tRNA synthetase 2, mitochondrial; plus strand). Cytogenetic location: 6p21.33.
Variant type: single nucleotide variant.
Coding change: c.1456G>T on transcript NM_020442.6 (MANE Select); coding-DNA position 1456, G replaced by T.
Protein change: p.Glu486Ter; replaces glutamic acid 486 with a stop codon.
Molecular consequence: nonsense.
Genome position (GRCh38, 1-based): chr6:30,920,726, G>T. VCF-style: chr6-30920726-G-T. GRCh37 (hg19) VCF-style: chr6-30888503-G-T.
Other names: c.1036G>T, p.Glu346Ter (NM_001167733.3); c.1546G>T, p.Glu516Ter (NM_001167734.2); short protein forms E516*, E346*, E486*.
Identifiers: ClinVar variation 933233 (VCV000933233.17), dbSNP rs143821815, ClinGen allele CA3705911.

ClinVar aggregate classification (germline): Pathogenic/Likely pathogenic. Review status: criteria provided, multiple submitters, no conflicts (2 of 4 stars). 7 submissions from 7 submitters: Pathogenic (5); Likely pathogenic (1). 1 of the submissions does not count toward it. Last evaluated 2026-10-01.

Conditions:
Combined oxidative phosphorylation defect type 20. Also called: Combined oxidative phosphorylation deficiency 20. Identifiers: Orphanet 420728, MedGen C4014660, MONDO:0014397, OMIM 615917.
Inborn genetic diseases. Identifiers: MedGen C0950123, MeSH D030342.

Allele frequency attached by ClinVar (database versions not stated): gnomAD 0.00005; TOPMed 0.00011; ExAC 0.00012; ESP Exome Variant Server 0.00012.
gnomAD v4.1: 67 of 1,601,020 alleles (0.0042%); highest among the groups gnomAD compares: Admixed American, 0.028%; no homozygotes.

Submissions (7):

GeneDx
Classification: Pathogenic. Last evaluated: 2026-10-01. Review status: criteria provided, single submitter. Criteria: GeneDx Variant Classification Process June 2021. Collection method: clinical testing. Allele origin: germline.
Comment: Nonsense variant predicted to result in protein truncation or nonsense mediated decay in a gene for which loss of function is a known mechanism of disease; This variant is associated with the following publications: (PMID: 30458719, 29314548, 31345219, 35937981)

Victorian Clinical Genetics Services, Murdoch Childrens Research Institute
Classification: Pathogenic for Combined oxidative phosphorylation defect type 20. Last evaluated: 2025-11-06. Review status: criteria provided, single submitter. Criteria: ACMG Guidelines, 2015. Collection method: clinical testing. Allele origin: germline. Affected: yes.
Comment: This variant is classified as Pathogenic. Evidence in support of pathogenic classification: Variant is predicted to cause nonsense-mediated decay (NMD) and loss of protein (premature termination codon is located at least 54 nucleotides upstream of the final exon-exon junction); Variant is present in gnomAD <0.01 for a recessive condition (v2: 16 heterozygotes, 0 homozygotes); This variant has strong previous evidence of pathogenicity in unrelated individuals. It has been reported as likely pathogenic/pathogenic by multiple clinical testing laboratories (ClinVar) and in an individual with mitochondrial disease (PMID: 29314548); Many comparable NMD-predicted variants in this gene have been reported as likely pathogenic/pathogenic (ClinVar). Additional information: This variant is heterozygous; This gene is associated with autosomal recessive disease; Loss of function is a known mechanism of disease in this gene and is associated with combined oxidative phosphorylation deficiency 20 (MIM#615917).

Dasa
Classification: Pathogenic. Last evaluated: 2024-08-27. Review status: criteria provided, single submitter. Criteria: DASA Assertion Criteria. Collection method: clinical testing. Allele origin: germline.
Comment: NM_020442.6(VARS2):c.1456G>T (p.Glu486*) introduces a premature termination codon predicted to result in loss of normal protein function. Loss-of-function is an established mechanism of disease for this gene. This variant has been recurrently observed in individuals with related phenotype (PMID: 29314548; PMID: 30458719). The variant is present at low frequency in population datasets. Based on the available data, this variant is classified as pathogenic.

Labcorp Genetics (formerly Invitae), Labcorp
Classification: Pathogenic. Last evaluated: 2024-05-07. Review status: criteria provided, single submitter. Criteria: Invitae Variant Classification Sherloc (09022015). Collection method: clinical testing. Allele origin: germline.
Comment: This sequence change creates a premature translational stop signal (p.Glu516*) in the VARS2 gene. It is expected to result in an absent or disrupted protein product. Loss-of-function variants in VARS2 are known to be pathogenic (PMID: 29313548). This variant is present in population databases (rs143821815, gnomAD 0.04%). This premature translational stop signal has been observed in individual(s) with clinical features of oxidative phosphorylation deficiency 20 (PMID: 29314548). ClinVar contains an entry for this variant (Variation ID: 933233). For these reasons, this variant has been classified as Pathogenic.

Ambry Genetics
Classification: Pathogenic for Inborn genetic diseases. Last evaluated: 2021-07-15. Review status: criteria provided, single submitter. Criteria: Ambry Variant Classification Scheme 2023. Collection method: clinical testing. Allele origin: germline.
Comment: The c.1546G>T (p.E516*) alteration, located in exon 15 (coding exon 15) of the VARS2 gene, consists of a G to T substitution at nucleotide position 1546. This changes the amino acid from a glutamic acid (E) to a stop codon at amino acid position 516. This alteration is expected to result in loss of function by premature protein truncation or nonsense-mediated mRNA decay. This variants was reported in conjunction with another VARS2 variant in an individual with hypotonia, severe stridor, difficulty in sucking, dysmorphic features, hypertonia of the lower limbs, hypertrophic cardiomyopathy, severe pulmonary hypertension, laryngomalacia, progressive microcephaly due to craniosynostosis, and developmental delay (Bruni, 2018). Based on the available evidence, this alteration is classified as pathogenic.

New York Genome Center
Classification: Likely pathogenic for Combined oxidative phosphorylation defect type 20. Last evaluated: 2021-04-30. Review status: criteria provided, single submitter. Criteria: NYGC Assertion Criteria 2020. Collection method: clinical testing. Allele origin: inherited. Observed: 1 heterozygote. Study: CSER-NYCKidSeq.

OMIM
Classification: Pathogenic for COMBINED OXIDATIVE PHOSPHORYLATION DEFICIENCY 20. Last evaluated: 2020-07-10. Review status: no assertion criteria provided. Collection method: literature only. Allele origin: germline. Not counted in ClinVar's aggregate classification.

Literature cited by the submitters: PubMed 29314548 (cited by 5 submitters); PubMed 30458719 (cited by Dasa); PubMed 29313548 (cited by Labcorp Genetics (formerly Invitae), Labcorp).